The following is an entry in ClinVar:

NM_000092.5(COL4A4):c.2073A>G (p.Pro691=)

Gene: COL4A4 (collagen type IV alpha 4 chain; minus strand). Cytogenetic location: 2q36.3.
Variant type: single nucleotide variant.
Coding change: c.2073A>G on transcript NM_000092.5 (MANE Select); coding-DNA position 2073, A replaced by G.
Protein change: p.Pro691=; no amino-acid change (proline 691 retained).
Molecular consequence: synonymous variant.
Genome position (GRCh38, 1-based): chr2:227,060,227, T>C on the plus strand (A>G on the coding strand, the complement: COL4A4 is on the minus strand). VCF-style: chr2-227060227-T-C. GRCh37 (hg19) VCF-style: chr2-227924943-T-C.
Identifiers: ClinVar variation 1137667 (VCV001137667.13), dbSNP rs368774059, ClinGen allele CA2144953.

ClinVar aggregate classification (germline): Likely benign. Review status: criteria provided, multiple submitters, no conflicts (2 of 4 stars). 6 submissions from 6 submitters: Likely benign (5). 1 of the submissions does not count toward it. Last evaluated 2025-10-21.

Conditions:
COL4A4-related disorder.
Autosomal recessive Alport syndrome (ATS2). Also called: COL4A4 Alport Syndrome and Thin Basement Membrane Nephropathy; ALPORT SYNDROME 2, AUTOSOMAL RECESSIVE; Alport syndrome type 2; COL4A3-Related Nephropathy. Identifiers: Orphanet 63, Orphanet 88919, MedGen C4746745, MONDO:0008762, OMIM 203780.
Benign familial hematuria. Also called: thin basement membrane disease. Identifiers: MedGen C0241908, MONDO:0957317.

Allele frequency attached by ClinVar (database versions not stated): gnomAD exomes 0.00001 and 0.00004; ExAC 0.00004; ESP Exome Variant Server 0.00017; gnomAD 0.00017 and 0.00020; TOPMed 0.00021.
gnomAD v4.1: 41 of 1,611,446 alleles (0.0025%); highest among the groups gnomAD compares: African/African-American, 0.05%; no homozygotes.

Submissions (6):

Labcorp Genetics (formerly Invitae), Labcorp
Classification: Likely benign. Last evaluated: 2025-10-21. Review status: criteria provided, single submitter. Criteria: Invitae Variant Classification Sherloc (09022015). Collection method: clinical testing. Allele origin: germline.

Blueprint Genetics
Classification: Likely benign. Last evaluated: 2022-07-27. Review status: criteria provided, single submitter. Criteria: ACMG Guidelines, 2015. Collection method: clinical testing. Allele origin: germline.

Fulgent Genetics
Classification: Likely benign for Hematuria, benign familial, 1; Autosomal recessive Alport syndrome. Last evaluated: 2021-07-08. Review status: criteria provided, single submitter. Criteria: ACMG Guidelines, 2015. Collection method: clinical testing. Allele origin: unknown.

GeneDx
Classification: Likely benign. Last evaluated: 2020-11-09. Review status: criteria provided, single submitter. Criteria: GeneDx Variant Classification Process June 2021. Collection method: clinical testing. Allele origin: germline. Affected: yes.

Breakthrough Genomics
Classification: Likely benign. Review status: criteria provided, single submitter. Criteria: ACMG Guidelines, 2015. Collection method: not provided. Allele origin: germline. Inheritance: Autosomal recessive inheritance. Affected: yes.

PreventionGenetics, part of Exact Sciences
Classification: Likely benign for COL4A4-related condition. Last evaluated: 2024-08-28. Review status: no assertion criteria provided. Collection method: clinical testing. Allele origin: germline. Not counted in ClinVar's aggregate classification.
Comment: This variant is classified as likely benign based on ACMG/AMP sequence variant interpretation guidelines (Richards et al. 2015 PMID: 25741868, with internal and published modifications).